The following is an entry in ClinVar:

ClinVar aggregate classification (germline): Uncertain significance (1 of 4 stars; one submission).

Conditions:
Hereditary cancer-predisposing syndrome. Also called: Tumor predisposition; Hereditary neoplastic syndrome; Hereditary Cancer Syndrome; Neoplastic Syndromes, Hereditary. Identifiers: Orphanet 140162, MedGen C0027672, MeSH D009386, MONDO:0015356.

Submission:

Ambry Genetics
Classification: Uncertain significance for Hereditary cancer-predisposing syndrome. Last evaluated: 2025-05-01. Review status: criteria provided, single submitter. Criteria: Ambry Variant Classification Scheme 2023. Collection method: clinical testing. Allele origin: germline.
Comment: The p.Q689L variant (also known as c.2066A>T), located in coding exon 13 of the RAD50 gene, results from an A to T substitution at nucleotide position 2066. The glutamine at codon 689 is replaced by leucine, an amino acid with dissimilar properties. This amino acid position is conserved. In addition, this alteration is predicted to be tolerated by in silico analysis. Based on the available evidence, the clinical significance of this variant remains unclear.

NM_005732.4(RAD50):c.2066A>T (p.Gln689Leu)

Gene: RAD50 (RAD50 double strand break repair protein; plus strand). Cytogenetic location: 5q31.1.
Variant type: single nucleotide variant.
Coding change: c.2066A>T on transcript NM_005732.4 (MANE Select); coding-DNA position 2066, A replaced by T.
Protein change: p.Gln689Leu; replaces glutamine 689 with leucine.
Molecular consequence: missense variant.
Genome position (GRCh38, 1-based): chr5:132,595,669, A>T. VCF-style: chr5-132595669-A-T. GRCh37 (hg19) VCF-style: chr5-131931361-A-T.
Other names: short protein forms Q689L.
Identifiers: ClinVar variation 3942183 (VCV003942183.1).